The following is an entry in ClinVar:

NM_004522.3(KIF5C):c.750C>T (p.Asp250=)

Gene: KIF5C (kinesin family member 5C; plus strand). Cytogenetic location: 2q23.1.
Variant type: single nucleotide variant.
Coding change: c.750C>T on transcript NM_004522.3 (MANE Select); coding-DNA position 750, C replaced by T.
Protein change: p.Asp250=; no amino-acid change (aspartic acid 250 retained).
Molecular consequence: synonymous variant. On other transcripts: non-coding transcript variant (1).
Genome position (GRCh38, 1-based): chr2:148,949,874, C>T. VCF-style: chr2-148949874-C-T. GRCh37 (hg19) VCF-style: chr2-149806388-C-T.
Identifiers: ClinVar variation 380834 (VCV000380834.2), dbSNP rs60169973, ClinGen allele CA1901313.

ClinVar aggregate classification (germline): Benign. Review status: criteria provided, multiple submitters, no conflicts (2 of 4 stars). 2 submissions from 2 submitters: Benign (2). Last evaluated 2016-01-14.

Allele frequency attached by ClinVar (database versions not stated): gnomAD exomes 0.08245 and 0.08532; ExAC 0.09039; 1000 Genomes Project 0.13059; gnomAD 0.13230 and 0.13714; 1000 Genomes Project 30x 0.13663; ESP Exome Variant Server 0.13978; TOPMed 0.14265.
gnomAD v4.1: 141,524 of 1,613,396 alleles (8.8%); highest among the groups gnomAD compares: African/African-American, 28%; 8,154 homozygotes.

Submissions (2):

GeneDx
Classification: Benign. Last evaluated: 2016-01-14. Review status: criteria provided, single submitter. Criteria: GeneDx Variant Classification (06012015). Collection method: clinical testing. Allele origin: germline. Affected: yes.
Comment: This variant is considered likely benign or benign based on one or more of the following criteria: it is a conservative change, it occurs at a poorly conserved position in the protein, it is predicted to be benign by multiple in silico algorithms, and/or has population frequency not consistent with disease.

Breakthrough Genomics
Classification: Benign. Review status: criteria provided, single submitter. Criteria: ACMG Guidelines, 2015. Collection method: not provided. Allele origin: germline. Inheritance: Autosomal dominant inheritance. Affected: yes.